The following is an entry in ClinVar:

NM_199355.4(ADAMTS18):c.881A>G (p.Asn294Ser)

Gene: ADAMTS18 (ADAM metallopeptidase with thrombospondin type 1 motif 18; minus strand). Cytogenetic location: 16q23.1.
Variant type: single nucleotide variant.
Coding change: c.881A>G on transcript NM_199355.4 (MANE Select); coding-DNA position 881, A replaced by G.
Protein change: p.Asn294Ser; replaces asparagine 294 with serine.
Molecular consequence: missense variant.
Genome position (GRCh38, 1-based): chr16:77,364,279, T>C on the plus strand (A>G on the coding strand, the complement: ADAMTS18 is on the minus strand). VCF-style: chr16-77364279-T-C. GRCh37 (hg19) VCF-style: chr16-77398176-T-C.
Other names: c.365A>G, p.Asn122Ser (NM_001326358.2); short protein forms N122S, N294S.
Identifiers: ClinVar variation 1058655 (VCV001058655.9), dbSNP rs777714562, ClinGen allele CA8181517.

ClinVar aggregate classification (germline): Uncertain significance (1 of 4 stars; one submission).

Allele frequency attached by ClinVar (database versions not stated): gnomAD exomes 0.00001; ExAC 0.00002.
gnomAD v4.1: 10 of 1,614,014 alleles (0.00062%); highest among the groups gnomAD compares: South Asian, 0.0033%; no homozygotes.

Submission:

Labcorp Genetics (formerly Invitae), Labcorp
Classification: Uncertain significance. Last evaluated: 2022-09-27. Review status: criteria provided, single submitter. Criteria: Invitae Variant Classification Sherloc (09022015). Collection method: clinical testing. Allele origin: germline.
Comment: This variant is present in population databases (rs777714562, gnomAD 0.006%). In summary, the available evidence is currently insufficient to determine the role of this variant in disease. Therefore, it has been classified as a Variant of Uncertain Significance. Algorithms developed to predict the effect of missense changes on protein structure and function output the following: SIFT: "Not Available"; PolyPhen-2: "Benign"; Align-GVGD: "Not Available". The serine amino acid residue is found in multiple mammalian species, which suggests that this missense change does not adversely affect protein function. ClinVar contains an entry for this variant (Variation ID: 1058655). This variant has not been reported in the literature in individuals affected with ADAMTS18-related conditions. This sequence change replaces asparagine, which is neutral and polar, with serine, which is neutral and polar, at codon 294 of the ADAMTS18 protein (p.Asn294Ser).